The following is an entry in ClinVar:

NM_015512.5(DNAH1):c.2717A>G (p.Asp906Gly)

Gene: DNAH1 (dynein axonemal heavy chain 1; plus strand). Cytogenetic location: 3p21.1.
Variant type: single nucleotide variant.
Coding change: c.2717A>G on transcript NM_015512.5 (MANE Select); coding-DNA position 2717, A replaced by G.
Protein change: p.Asp906Gly; replaces aspartic acid 906 with glycine.
Molecular consequence: missense variant.
Genome position (GRCh38, 1-based): chr3:52,350,578, A>G. VCF-style: chr3-52350578-A-G. GRCh37 (hg19) VCF-style: chr3-52384594-A-G.
Other names: p.Asp906Gly; short protein forms D906G.
Identifiers: ClinVar variation 478433 (VCV000478433.40), dbSNP rs61734644, ClinGen allele CA2433346.

ClinVar aggregate classification (germline): Benign/Likely benign. Review status: criteria provided, multiple submitters, no conflicts (2 of 4 stars). 6 submissions from 6 submitters: Benign (3); Likely benign (2). 1 of the submissions does not count toward it. Last evaluated 2026-01-27.

Conditions:
Spermatogenic failure 18. Identifiers: MedGen C4539783, MONDO:0054615, OMIM 617576.
Ciliary dyskinesia, primary, 37 (CILD37). Also called: CILIARY DYSKINESIA, PRIMARY, 37, WITH OR WITHOUT SITUS INVERSUS. Identifiers: MedGen C4539798, MONDO:0033204, OMIM 617577.
Premature menopause. Identifiers: MedGen C0025322, MONDO:0001119.

Allele frequency attached by ClinVar (database versions not stated): gnomAD 0.00434 and 0.00417; 1000 Genomes Project 0.00100; gnomAD exomes 0.00445; ExAC 0.00466; ESP Exome Variant Server 0.00489; TOPMed 0.00397; 1000 Genomes Project 30x 0.00094.
gnomAD v4.1: 11,154 of 1,613,708 alleles (0.69%); highest among the groups gnomAD compares: Non-Finnish European, 0.86%; 51 homozygotes.

Submissions (6):

Labcorp Genetics (formerly Invitae), Labcorp
Classification: Benign for Ciliary dyskinesia, primary, 37; Spermatogenic failure 18. Last evaluated: 2026-01-27. Review status: criteria provided, single submitter. Criteria: Invitae Variant Classification Sherloc (09022015). Collection method: clinical testing. Allele origin: germline.

CeGaT Center for Human Genetics Tuebingen
Classification: Likely benign. Last evaluated: 2025-09-01. Review status: criteria provided, single submitter. Criteria: CeGaT Center For Human Genetics Tuebingen Variant Classification Criteria Version 2. Collection method: clinical testing. Allele origin: germline. Affected: yes. Observed: 10 variant alleles.
Comment: DNAH1: BS2

ARUP Laboratories, Molecular Genetics and Genomics, ARUP Laboratories
Classification: Likely benign. Last evaluated: 2025-06-12. Review status: criteria provided, single submitter. Criteria: ARUP Molecular Germline Variant Investigation Process 2024. Collection method: clinical testing. Allele origin: germline.

Mayo Clinic Laboratories, Mayo Clinic
Classification: Benign. Last evaluated: 2024-04-02. Review status: criteria provided, single submitter. Criteria: ACMG Guidelines, 2015. Collection method: clinical testing. Allele origin: germline. Observed: 2 variant alleles.
Comment: BS1, BS2

Breakthrough Genomics
Classification: Benign. Review status: criteria provided, single submitter. Criteria: ACMG Guidelines, 2015. Collection method: not provided. Allele origin: germline. Inheritance: Autosomal recessive inheritance. Affected: yes.

Reproductive Development, Murdoch Childrens Research Institute
Classification: Uncertain significance for Premature ovarian insufficiency. Last evaluated: 2018-01-10. Review status: no assertion criteria provided. Criteria: ACMG Guidelines, 2015. Collection method: research. Allele origin: maternal. Affected: yes. Not counted in ClinVar's aggregate classification.